The following is an entry in ClinVar:

ClinVar aggregate classification (germline): Benign/Likely benign. Review status: criteria provided, multiple submitters, no conflicts (2 of 4 stars). 4 submissions from 4 submitters: Benign (2); Likely benign (2). Last evaluated 2026-09-01.

Conditions:
Congenital dyserythropoietic anemia, type II (CDAN2). Also called: DYSERYTHROPOIETIC ANEMIA, HEMPAS TYPE. Identifiers: Orphanet 98873, MedGen C1306589, MONDO:0009134, OMIM 224100.
Cowden syndrome 7 (CWS7). Identifiers: Orphanet 201, MedGen C4225179, MONDO:0014802, OMIM 616858.

Allele frequency attached by ClinVar (database versions not stated): gnomAD 0.00772 and 0.00796; TOPMed 0.00836; gnomAD exomes 0.01153; 1000 Genomes Project 30x 0.00609; 1000 Genomes Project 0.00639.
gnomAD v4.1: 13,678 of 1,229,084 alleles (1.1%); highest among the groups gnomAD compares: Middle Eastern, 1.8%; 117 homozygotes.

Submissions (4):

CeGaT Center for Human Genetics Tuebingen
Classification: Benign. Last evaluated: 2026-09-01. Review status: criteria provided, single submitter. Criteria: CeGaT Center For Human Genetics Tuebingen Variant Classification Criteria Version 2. Collection method: clinical testing. Allele origin: germline. Affected: yes. Observed: 89 variant alleles.
Comment: SEC23B: BS1, BS2

ARUP Laboratories, Molecular Genetics and Genomics, ARUP Laboratories
Classification: Likely benign. Last evaluated: 2025-07-31. Review status: criteria provided, single submitter. Criteria: ARUP Molecular Germline Variant Investigation Process 2024. Collection method: clinical testing. Allele origin: germline.

Labcorp Genetics (formerly Invitae), Labcorp
Classification: Benign for Congenital dyserythropoietic anemia, type II; Cowden syndrome 7. Last evaluated: 2024-02-24. Review status: criteria provided, single submitter. Criteria: Invitae Variant Classification Sherloc (09022015). Collection method: clinical testing. Allele origin: germline.

Breakthrough Genomics
Classification: Likely benign. Review status: criteria provided, single submitter. Criteria: ACMG Guidelines, 2015. Collection method: not provided. Allele origin: germline. Inheritance: Autosomal recessive inheritance. Affected: yes.

NM_006363.6(SEC23B):c.834+116A>G

Gene: SEC23B (SEC23 homolog B, COPII component; plus strand). Cytogenetic location: 20p11.23.
Variant type: single nucleotide variant.
Coding change: c.834+116A>G on transcript NM_006363.6 (MANE Select); 116 bases into the intron after coding-DNA position 834, A replaced by G.
Molecular consequence: intron variant.
Genome position (GRCh38, 1-based): chr20:18,526,048, A>G. VCF-style: chr20-18526048-A-G. GRCh37 (hg19) VCF-style: chr20-18506692-A-G.
Other names: c.834+116A>G (NM_032986.5, NM_001172745.3, NM_032985.6); c.780+116A>G (NM_001172746.3).
Identifiers: ClinVar variation 1165396 (VCV001165396.44), dbSNP rs113825530, ClinGen allele CA312396113.